The following is an entry in ClinVar:

ClinVar aggregate classification (germline): Likely benign (1 of 4 stars; one submission).

Submission:

Laboratory for Molecular Medicine, Mass General Brigham Personalized Medicine
Classification: Likely benign. Last evaluated: 2015-01-29. Review status: criteria provided, single submitter. Criteria: LMM Criteria. Collection method: clinical testing. Allele origin: germline. Observed: 1 variant allele.
Comment: p.Gln93Gln in exon 4 of CRYM: This variant is not expected to have clinical sign ificance because it does not alter an amino acid residue and it is not located w ithin the splice consensus sequence.

NM_001376256.1(CRYM):c.279G>A (p.Gln93=)

Gene: CRYM (crystallin mu; minus strand). Cytogenetic location: 16p12.2.
Variant type: single nucleotide variant.
Coding change: c.279G>A on transcript NM_001376256.1 (MANE Select); coding-DNA position 279, G replaced by A.
Protein change: p.Gln93=; no amino-acid change (glutamine 93 retained).
Molecular consequence: synonymous variant.
Genome position (GRCh38, 1-based): chr16:21,277,476, C>T on the plus strand (G>A on the coding strand, the complement: CRYM is on the minus strand). VCF-style: chr16-21277476-C-T. GRCh37 (hg19) VCF-style: chr16-21288797-C-T.
Other names: c.279G>A, p.Gln93= (NM_001888.5).
Identifiers: ClinVar variation 227277 (VCV000227277.4), dbSNP rs876657446, ClinGen allele CA10577002.